The following is an entry in ClinVar:

NM_000038.6(APC):c.2962G>C (p.Glu988Gln)

Gene: APC (APC regulator of Wnt signaling pathway; plus strand). Cytogenetic location: 5q22.2.
Variant type: single nucleotide variant.
Coding change: c.2962G>C on transcript NM_000038.6 (MANE Select); coding-DNA position 2962, G replaced by C.
Protein change: p.Glu988Gln; replaces glutamic acid 988 with glutamine.
Molecular consequence: missense variant. On other transcripts: non-coding transcript variant (2).
Genome position (GRCh38, 1-based): chr5:112,838,556, G>C. VCF-style: chr5-112838556-G-C. GRCh37 (hg19) VCF-style: chr5-112174253-G-C.
Other names: c.2659G>C, p.Glu887Gln (NM_001407458.1, NM_001407459.1, NM_001407460.1 and 1 more transcripts); c.2575G>C, p.Glu859Gln (NM_001407467.1, NM_001407469.1); c.2113G>C, p.Glu705Gln (NM_001407470.1, NM_001354906.2); c.1810G>C, p.Glu604Gln (NM_001407471.1, NM_001407472.1); c.3016G>C, p.Glu1006Gln (NM_001407448.1, NM_001407449.1, NM_001407447.1 and 1 more transcripts); c.2962G>C, p.Glu988Gln (NM_001407450.1, NM_001127510.3, NM_001354895.2); c.2941G>C, p.Glu981Gln (NM_001407451.1); c.2932G>C, p.Glu978Gln (NM_001407452.1); and 12 more; short protein forms E1006Q, E1016Q, E887Q, E897Q, E947Q, E960Q, E981Q, E828Q.
Identifiers: ClinVar variation 3014236 (VCV003014236.4), dbSNP rs1765305230, ClinGen allele CA16027802.

ClinVar aggregate classification (germline): Uncertain significance. Review status: criteria provided, multiple submitters, no conflicts (2 of 4 stars). 2 submissions from 2 submitters: Uncertain significance (2). Last evaluated 2026-07-06.

Conditions:
Familial adenomatous polyposis 1 (FAP1). Also called: POLYPOSIS, ADENOMATOUS INTESTINAL; FAMILIAL ADENOMATOUS POLYPOSIS 1, ATTENUATED. Identifiers: MedGen C2713442, MONDO:0021056, OMIM 175100. Disease mechanism: loss of function.
Hereditary cancer-predisposing syndrome. Also called: Hereditary Cancer Syndrome; Hereditary neoplastic syndrome; Neoplastic Syndromes, Hereditary; Tumor predisposition. Identifiers: Orphanet 140162, MedGen C0027672, MeSH D009386, MONDO:0015356.

gnomAD v4.1: 1 of 1,614,200 alleles (0.000062%); no homozygotes.

Submissions (2):

Ambry Genetics
Classification: Uncertain significance for Hereditary cancer-predisposing syndrome. Last evaluated: 2026-07-06. Review status: criteria provided, single submitter. Criteria: Ambry Variant Classification Scheme 2023. Collection method: clinical testing. Allele origin: germline.
Comment: The p.E988Q variant (also known as c.2962G>C), located in coding exon 15 of the APC gene, results from a G to C substitution at nucleotide position 2962. The glutamic acid at codon 988 is replaced by glutamine, an amino acid with highly similar properties. This amino acid position is conserved. In addition, in silico predictors for this gene do not accurately predict pathogenicity. Based on the available evidence, the clinical significance of this variant remains unclear.

Labcorp Genetics (formerly Invitae), Labcorp
Classification: Uncertain significance for Familial adenomatous polyposis 1. Last evaluated: 2025-07-18. Review status: criteria provided, single submitter. Criteria: Invitae Variant Classification Sherloc (09022015). Collection method: clinical testing. Allele origin: germline.
Comment: This sequence change replaces glutamic acid, which is acidic and polar, with glutamine, which is neutral and polar, at codon 988 of the APC protein (p.Glu988Gln). This variant is not present in population databases (gnomAD no frequency). This variant has not been reported in the literature in individuals affected with APC-related conditions. ClinVar contains an entry for this variant (Variation ID: 3014236). Invitae Evidence Modeling of protein sequence and biophysical properties (such as structural, functional, and spatial information, amino acid conservation, physicochemical variation, residue mobility, and thermodynamic stability) indicates that this missense variant is not expected to disrupt APC protein function with a negative predictive value of 95%. In summary, the available evidence is currently insufficient to determine the role of this variant in disease. Therefore, it has been classified as a Variant of Uncertain Significance.